The following is an entry in ClinVar:

NM_004444.5(EPHB4):c.525C>G (p.Tyr175Ter)

Gene: EPHB4 (EPH receptor B4; minus strand). Cytogenetic location: 7q22.1.
Variant type: single nucleotide variant.
Coding change: c.525C>G on transcript NM_004444.5 (MANE Select); coding-DNA position 525, C replaced by G.
Protein change: p.Tyr175Ter; replaces tyrosine 175 with a stop codon.
Molecular consequence: nonsense.
Genome position (GRCh38, 1-based): chr7:100,822,554, G>C on the plus strand (C>G on the coding strand, the complement: EPHB4 is on the minus strand). VCF-style: chr7-100822554-G-C. GRCh37 (hg19) VCF-style: chr7-100420176-G-C.
Other names: short protein forms Y175*.
Identifiers: ClinVar variation 3237182 (VCV003237182.1), dbSNP rs1235297746.

ClinVar aggregate classification (germline): Likely pathogenic (1 of 4 stars; one submission).

Conditions:
Capillary malformation-arteriovenous malformation 2 (CMAVM2). Identifiers: Orphanet 693912, MedGen C4748670, MONDO:0020785, OMIM 618196.

Submission:

HUSP Clinical Genetics Laboratory, Hospital Universitario San Pedro De Logroño (HUSP)
Classification: Likely pathogenic for Capillary malformation-arteriovenous malformation 2. Review status: criteria provided, single submitter. Criteria: ACMG Guidelines, 2015. Collection method: clinical testing. Allele origin: unknown. Inheritance: Autosomal dominant inheritance. Affected: yes. Observed: 1 variant allele.
Comment: It results in a premature termination codon, modifying the predicted protein (p.Tyr175Ter). This variant is not detected in general population and has not been reported in pathogenic data bases. Pathogenic variants in EPHB4 have been associated with Capillary malformation-arteriovenous malformation 2 (OMIM: 618196) and Lymphatic malformation 7 (OMIM: 617300) both with autosomal dominant inheritance. Capillary malformation-arteriovenous malformation 2 is characterized by arteriovenous malformations (cutaneous, subcutaneous, muscular and bone), Parkes Weber lesions of the extremities, multifocal cutaneous capillary malformations, Bier spots and telangiectasias. Capillary malformation-arteriovenous malformation 2 presents incomplete penetrance.